The following is an entry in ClinVar:

NM_001306215.2(ZNF827):c.2153del (p.Pro718fs)

Gene: ZNF827 (zinc finger protein 827; minus strand). Cytogenetic location: 4q31.21.
Variant type: Deletion.
Coding change: c.2153del on transcript NM_001306215.2 (MANE Select); coding-DNA position 2153, one base deleted (C; older notation c.2153delC).
Protein change: p.Pro718fs; shifts the reading frame from proline 718.
Molecular consequence: frameshift variant.
Genome position (GRCh38, 1-based): chr4:145,849,390, G deleted on the plus strand (C on the coding strand, the reverse complement: ZNF827 is on the minus strand); the first of 5 consecutive G bases (chr4:145,849,390-145,849,394); deleting any one gives the same sequence. VCF-style (leftmost placement, unchanged base first): chr4-145849389-TG-T. GRCh37 (hg19) VCF-style: chr4-146770541-TG-T.
Other names: c.2153del, p.Pro718fs (NM_178835.5); short protein forms P718fs.
Identifiers: ClinVar variation 1299445 (VCV001299445.4), dbSNP rs2126655521, ClinGen allele CA2499217104.

ClinVar aggregate classification (germline): Uncertain significance (1 of 4 stars; one submission).

Submission:

Illumina Laboratory Services, Illumina
Classification: Uncertain significance. Last evaluated: 2021-01-07. Review status: criteria provided, single submitter. Criteria: ICSLVariantClassificationCriteria RUGD 01 April 2020. Collection method: clinical testing. Allele origin: unknown.
Comment: The ZNF827 c.2153delC (p.Pro718GlnfsTer12) variant is a frameshift variant that is expected to result in an absent or prematurely truncated protein product. A literature search was conducted for the gene, cDNA change, and amino acid change. No publications were identified through this search. This variant is absent from version 2.1.1 and version 3.1.1 of the Genome Aggregation Database despite its location in a region of good sequencing coverage, which suggests the variant is rare. Based on the available evidence, the p.Pro718GlnfsTer12 variant is classified as a variant of uncertain significance.